The following is an entry in ClinVar:

NM_001386298.1(CIC):c.631C>T (p.Arg211Cys)

Gene: CIC (capicua transcriptional repressor; plus strand). Cytogenetic location: 19q13.2.
Variant type: single nucleotide variant.
Coding change: c.631C>T on transcript NM_001386298.1 (MANE Select); coding-DNA position 631, C replaced by T.
Protein change: p.Arg211Cys; replaces arginine 211 with cysteine.
Molecular consequence: missense variant.
Genome position (GRCh38, 1-based): chr19:42,272,414, C>T. VCF-style: chr19-42272414-C-T. GRCh37 (hg19) VCF-style: chr19-42776566-C-T.
Other names: c.631C>T, p.Arg211Cys (NM_001304815.2, NM_001379480.1, NM_001379482.1 and 6 more transcripts); short protein forms R211C.
Identifiers: ClinVar variation 4988461 (VCV004988461.1).

ClinVar aggregate classification (germline): Uncertain significance (1 of 4 stars; one submission).

Conditions:
CIC-related disorder. Also called: CIC-related condition.

Submission:

PreventionGenetics, part of Exact Sciences
Classification: Uncertain significance for CIC-related condition. Last evaluated: 2026-07-16. Review status: criteria provided, single submitter. Criteria: ACMG Guidelines, 2015. Collection method: clinical testing. Allele origin: germline.
Comment: The CIC c.631C>T variant is predicted to result in the amino acid substitution p.Arg211Cys. To our knowledge, this variant has not been reported in the literature or in a large population database (gnomAD), indicating this variant is rare. At this time, the clinical significance of this variant is uncertain due to the absence of conclusive functional and genetic evidence.